The following is an entry in ClinVar:

NM_000051.4(ATM):c.7013T>C (p.Leu2338Pro)

Genes: ATM (ATM serine/threonine kinase; plus strand), C11orf65 (chromosome 11 open reading frame 65; minus strand). Cytogenetic location: 11q22.3.
Variant type: single nucleotide variant.
Coding change: c.7013T>C on transcript NM_000051.4 (MANE Select); coding-DNA position 7013, T replaced by C.
Protein change: p.Leu2338Pro; replaces leucine 2338 with proline.
Molecular consequence: missense variant. On other transcripts: intron variant (2).
Genome position (GRCh38, 1-based): chr11:108,327,682, T>C. VCF-style: chr11-108327682-T-C. GRCh37 (hg19) VCF-style: chr11-108198409-T-C.
Other names: NM_000051.4(ATM):c.7013T>C; p.Leu2338Pro; c.7013T>C, p.Leu2338Pro (NM_001351834.2); c.641-18611A>G (NM_001330368.2); c.*38+7538A>G (NM_001351110.2); short protein forms L2338P.
Identifiers: ClinVar variation 490685 (VCV000490685.12), dbSNP rs1555120997, ClinGen allele CA382558722.
Genomic context (GRCh38, chr11:108,327,682, plus strand): 5'-AAGATTTTGCCTTTCTTATACAGAACAATCCCAGCCTAAAACTTACATACACAGAATGTC[T>C]GAGGGTTTGTGGCAACTGGTTAGCAGAAACGTGCTTAGAAAATCCTGCGGTCATCATGCA-3'
Protein context (NP_000042.3, residues 2328-2348): PSLKLTYTEC[Leu2338Pro]RVCGNWLAET

ClinVar aggregate classification (germline): Uncertain significance. Review status: reviewed by expert panel (3 of 4 stars). 5 submissions from 5 submitters: Uncertain significance (1). 4 of the submissions do not count toward it. Last evaluated 2025-11-11.

Conditions:
Hereditary cancer-predisposing syndrome. Also called: Hereditary Cancer Syndrome; Neoplastic Syndromes, Hereditary; Tumor predisposition; Hereditary neoplastic syndrome. Identifiers: Orphanet 140162, MedGen C0027672, MeSH D009386, MONDO:0015356.
ATM-related cancer predisposition. Also called: ATM-related cancer susceptibility. Identifiers: MedGen CN377759, MONDO:0700270.
Familial cancer of breast. Also called: BREAST CANCER, FAMILIAL; Hereditary breast cancer; hereditary breast carcinoma. Identifiers: Orphanet 227535, MedGen C0346153, MONDO:0016419, OMIM 114480. Disease mechanism: loss of function.

gnomAD v4.1: 5 of 1,614,034 alleles (0.00031%); highest among the groups gnomAD compares: Non-Finnish European, 0.00042%; no homozygotes.

Submissions (5):

ClinGen Hereditary Breast, Ovarian and Pancreatic Cancer Variant Curation Expert Panel, ClinGen
Classification: Uncertain significance for ATM-related cancer predisposition. Last evaluated: 2025-11-11. Review status: reviewed by expert panel. Criteria: ClinGen HBOP ACMG Specifications ATM V1.4.0. Collection method: curation. Allele origin: germline. Inheritance: Autosomal dominant inheritance.
Comment: The c.7013T>C variant in ATM is a missense variant predicted to cause substitution of leucine by proline at amino acid 2338 (p.Leu2338Pro). This variant has been detected in at least one individual with Ataxia-Telangiectasia (PMID: 22649200). The highest minor allele frequency in gnomAD v4.1.0 is 0.000004237 in European (non-Finnish) population, which is lower than the HBOP VCEP threshold (≤0.00001) for PM2_Supporting, meeting this criterion. ATM kinase activity assay in ATM-null lymphoblastoid cell line showed absence of ATM kinase activity on its downstream targets indicating that this variant impacts protein function (PMID: 19431188). The computational predictor REVEL gives a score of 0.819, which is above the threshold of 0.7333, evidence that correlates with impact to ATM function. In summary, this variant meets the criteria to be classified as a variant of uncertain significance for autosomal dominant ATM-related cancer predisposition and autosomal recessive Ataxia-Telangiectasia based on the ACMG/AMP criteria applied as specified by the HBOP VCEP. (PM3_Supporting, PM2_Supporting, PS3_Supporting, PP3)

Myriad Genetics, Inc.
Classification: Likely pathogenic for Familial cancer of breast. Last evaluated: 2026-07-30. Review status: criteria provided, single submitter. Criteria: Myriad Autosomal Dominant, Autosomal Recessive and X-Linked Classification Criteria (2023). Collection method: clinical testing. Allele origin: unknown. Not counted in ClinVar's aggregate classification.
Comment: This variant is considered likely pathogenic. This variant is expected to disrupt protein structure [Myriad internal data]. Functional studies indicate this variant impacts protein function [PMID: 40580951, 19431188]. This variant has been reported in multiple individuals with clinical features of gene-specific disease [PMID: 22649200, 30549301].

Ambry Genetics
Classification: Uncertain significance for Hereditary cancer-predisposing syndrome. Last evaluated: 2025-09-11. Review status: criteria provided, single submitter. Criteria: Ambry Variant Classification Scheme 2023. Collection method: clinical testing. Allele origin: germline. Not counted in ClinVar's aggregate classification.
Comment: The p.L2338P variant (also known as c.7013T>C), located in coding exon 47 of the ATM gene, results from a T to C substitution at nucleotide position 7013. The leucine at codon 2338 is replaced by proline, an amino acid with similar properties. In an in vitro study leveraging an ATM-null lymphoblastoid cell line complemented with different ATM mutant cDNA vectors, this alteration showed loss of kinase activity (Barone G et al. Hum Mutat, 2009 Aug;30:1222-30). This amino acid position is highly conserved in available vertebrate species. In addition, this alteration is predicted to be deleterious by in silico analysis. Based on the available evidence, the clinical significance of this variant remains unclear.

Baylor Genetics
Classification: Uncertain significance for Familial cancer of breast. Last evaluated: 2023-07-03. Review status: criteria provided, single submitter. Criteria: ACMG Guidelines, 2015. Collection method: clinical testing. Allele origin: unknown. Not counted in ClinVar's aggregate classification.

Color Diagnostics, LLC DBA Color Health
Classification: Likely pathogenic for Hereditary cancer-predisposing syndrome. Last evaluated: 2022-02-22. Review status: criteria provided, single submitter. Criteria: ACMG Guidelines, 2015. Collection method: clinical testing. Allele origin: germline. Not counted in ClinVar's aggregate classification.
Comment: This missense variant replaces leucine with proline at codon 2338 of the ATM protein. Computational prediction suggests that this variant may have deleterious impact on protein structure and function (internally defined REVEL score threshold >= 0.7, PMID: 27666373). This variant has also been reported in the compound heterozygous state with c.6056A>G (p.Tyr2019Cys) in an individual affected with classic ataxia-telangiectasia (PMID: 22649200). Cells derived from this individual and in vitro studies showed this variant results in no detectable kinase activity (PMID: 19431188, 22649200). This variant has not been identified in the general population by the Genome Aggregation Database (gnomAD). Based on the available evidence, this variant is classified as Likely Pathogenic.

Literature cited by the submitters: PubMed 40580951 (cited by Myriad Genetics, Inc.); PubMed 19431188 (cited by 3 submitters); PubMed 22649200 (cited by 3 submitters); PubMed 30549301 (cited by Myriad Genetics, Inc. and Ambry Genetics); PubMed 28779002 (cited by Ambry Genetics).